The following is an entry in ClinVar:

ClinVar aggregate classification (germline): Likely benign. Review status: reviewed by expert panel (3 of 4 stars). 4 submissions from 4 submitters: Likely benign (1). 3 of the submissions do not count toward it. Last evaluated 2017-06-29.

Conditions:
Hereditary cancer-predisposing syndrome. Also called: Hereditary Cancer Syndrome; Neoplastic Syndromes, Hereditary; Tumor predisposition; Hereditary neoplastic syndrome. Identifiers: Orphanet 140162, MedGen C0027672, MeSH D009386, MONDO:0015356.
Breast-ovarian cancer, familial, susceptibility to, 2 (BROVCA2). Also called: BRCA2 Hereditary Breast and Ovarian Cancer. Identifiers: Orphanet 145, MedGen C2675520, MONDO:0012933, OMIM 612555. Disease mechanism: loss of function.
Hereditary breast ovarian cancer syndrome. Also called: Hereditary breast and/or ovarian cancer syndrome; BRCA1- and BRCA2-Associated Hereditary Breast and Ovarian Cancer; Hereditary breast and ovarian cancer syndrome (HBOC); Hereditary breast and ovarian cancer; Hereditary breast and ovarian cancer syndrome; Breast and ovarian cancer. Identifiers: Orphanet 145, MedGen C0677776, MeSH D061325, MONDO:0003582. Disease mechanism: loss of function.

Allele frequency attached by ClinVar (database versions not stated): gnomAD exomes below 0.00001 and 0.00001.
gnomAD v4.1: 7 of 1,610,516 alleles (0.00043%); highest among the groups gnomAD compares: South Asian, 0.0011%; no homozygotes.

Submissions (4):

Evidence-based Network for the Interpretation of Germline Mutant Alleles (ENIGMA)
Classification: Likely benign for Breast-ovarian cancer, familial, susceptibility to, 2. Last evaluated: 2017-06-29. Review status: reviewed by expert panel. Criteria: ENIGMA BRCA1/2 Classification Criteria (2017-06-29). Collection method: curation. Allele origin: germline.
Comment: Synonymous substitution variant, with low bioinformatic likelihood to result in a splicing aberration (Splicing prior probability 0.02).

Labcorp Genetics (formerly Invitae), Labcorp
Classification: Likely benign for Hereditary breast ovarian cancer syndrome. Last evaluated: 2025-12-22. Review status: criteria provided, single submitter. Criteria: Invitae Variant Classification Sherloc (09022015). Collection method: clinical testing. Allele origin: germline. Not counted in ClinVar's aggregate classification.

Color Diagnostics, LLC DBA Color Health
Classification: Likely benign for Hereditary cancer-predisposing syndrome. Last evaluated: 2019-11-11. Review status: criteria provided, single submitter. Criteria: ACMG Guidelines, 2015. Collection method: clinical testing. Allele origin: germline. Not counted in ClinVar's aggregate classification.

Ambry Genetics
Classification: Likely benign for Hereditary cancer-predisposing syndrome. Last evaluated: 2015-02-17. Review status: criteria provided, single submitter. Criteria: Ambry Variant Classification Scheme 2023. Collection method: clinical testing. Allele origin: germline. Not counted in ClinVar's aggregate classification.

NM_000059.4(BRCA2):c.1776T>C (p.Tyr592=)

Gene: BRCA2 (BRCA2 DNA repair associated; plus strand). Cytogenetic location: 13q13.1.
Variant type: single nucleotide variant.
Coding change: c.1776T>C on transcript NM_000059.4 (MANE Select); coding-DNA position 1776, T replaced by C.
Protein change: p.Tyr592=; no amino-acid change (tyrosine 592 retained).
Molecular consequence: synonymous variant.
Genome position (GRCh38, 1-based): chr13:32,333,254, T>C. VCF-style: chr13-32333254-T-C. GRCh37 (hg19) VCF-style: chr13-32907391-T-C.
Identifiers: ClinVar variation 230683 (VCV000230683.18), dbSNP rs876658706, ClinGen allele CA10579505.